The following is an entry in ClinVar:

NM_005859.5(PURA):c.79G>C (p.Gly27Arg)

Gene: PURA (purine rich element binding protein A; plus strand). Cytogenetic location: 5q31.3.
Variant type: single nucleotide variant.
Coding change: c.79G>C on transcript NM_005859.5 (MANE Select); coding-DNA position 79, G replaced by C.
Protein change: p.Gly27Arg; replaces glycine 27 with arginine.
Molecular consequence: missense variant.
Genome position (GRCh38, 1-based): chr5:140,114,260, G>C. VCF-style: chr5-140114260-G-C. GRCh37 (hg19) VCF-style: chr5-139493845-G-C.
Other names: short protein forms G27R.
Identifiers: ClinVar variation 1369046 (VCV001369046.7), dbSNP rs1470806491, ClinGen allele CA361489225.

ClinVar aggregate classification (germline): Uncertain significance. Review status: criteria provided, multiple submitters, no conflicts (2 of 4 stars). 2 submissions from 2 submitters: Uncertain significance (2). Last evaluated 2024-09-23.

Conditions:
PURA-related severe neonatal hypotonia-seizures-encephalopathy syndrome (NEDRIHF). Also called: PURA-Related Neurodevelopmental Disorders; NEURODEVELOPMENTAL DISORDER WITH NEONATAL RESPIRATORY INSUFFICIENCY, HYPOTONIA, AND FEEDING DIFFICULTIES. Identifiers: Orphanet 438213, Orphanet 438216, MedGen C4015357, MONDO:1060108, OMIM 616158, MONDO:0018580.

Allele frequency attached by ClinVar (database versions not stated): TOPMed below 0.00001; gnomAD 0.00001.
gnomAD v4.1: 1 of 1,215,266 alleles (0.000082%); highest among the groups gnomAD compares: Non-Finnish European, 0.0001%; no homozygotes.

Submissions (2):

Women's Health and Genetics/Laboratory Corporation of America, LabCorp
Classification: Uncertain significance. Last evaluated: 2024-09-23. Review status: criteria provided, single submitter. Criteria: LabCorp Variant Classification Summary - May 2015. Collection method: clinical testing. Allele origin: germline.
Comment: Variant summary: PURA c.79G>C (p.Gly27Arg) results in a non-conservative amino acid change in the encoded protein sequence. Four of five in-silico tools predict a damaging effect of the variant on protein function. The variant was absent in 28276 control chromosomes. The available data on variant occurrences in the general population are insufficient to allow any conclusion about variant significance. To our knowledge, no occurrence of c.79G>C in individuals affected with Mental Retardation, Autosomal Dominant 31 and no experimental evidence demonstrating its impact on protein function have been reported. ClinVar contains an entry for this variant (Variation ID: 1369046). Based on the evidence outlined above, the variant was classified as uncertain significance.

Labcorp Genetics (formerly Invitae), Labcorp
Classification: Uncertain significance for PURA-related severe neonatal hypotonia-seizures-encephalopathy syndrome. Last evaluated: 2024-03-11. Review status: criteria provided, single submitter. Criteria: Invitae Variant Classification Sherloc (09022015). Collection method: clinical testing. Allele origin: germline.
Comment: This sequence change replaces glycine, which is neutral and non-polar, with arginine, which is basic and polar, at codon 27 of the PURA protein (p.Gly27Arg). The frequency data for this variant in the population databases is considered unreliable, as metrics indicate insufficient coverage at this position in the gnomAD database. This variant has not been reported in the literature in individuals affected with PURA-related conditions. ClinVar contains an entry for this variant (Variation ID: 1369046). Experimental studies and prediction algorithms are not available or were not evaluated, and the functional significance of this variant is currently unknown. In summary, the available evidence is currently insufficient to determine the role of this variant in disease. Therefore, it has been classified as a Variant of Uncertain Significance.